The following is an entry in ClinVar:

ClinVar aggregate classification (germline): Likely benign. Review status: criteria provided, single submitter (1 of 4 stars). 2 submissions from 2 submitters: Likely benign (1). 1 of the submissions does not count toward it. Last evaluated 2024-07-10.

Conditions:
KSR2-related disorder. Also called: KSR2-related condition.

Allele frequency attached by ClinVar (database versions not stated): gnomAD 0.00015; ExAC 0.00020; ESP Exome Variant Server 0.00025.
gnomAD v4.1: 379 of 1,597,816 alleles (0.024%); highest among the groups gnomAD compares: Non-Finnish European, 0.028%; no homozygotes.

Submissions (2):

Blueprint Genetics
Classification: Likely benign. Last evaluated: 2024-07-10. Review status: criteria provided, single submitter. Criteria: ACMG Guidelines, 2015. Collection method: clinical testing. Allele origin: germline.

PreventionGenetics, part of Exact Sciences
Classification: Likely benign for KSR2-related condition. Last evaluated: 2021-05-19. Review status: no assertion criteria provided. Collection method: clinical testing. Allele origin: germline. Not counted in ClinVar's aggregate classification.
Comment: This variant is classified as likely benign based on ACMG/AMP sequence variant interpretation guidelines (Richards et al. 2015 PMID: 25741868, with internal and published modifications).

NM_173598.6(KSR2):c.819G>A (p.Pro273=)

Gene: KSR2 (kinase suppressor of ras 2; minus strand). Cytogenetic location: 12q24.23.
Variant type: single nucleotide variant.
Coding change: c.819G>A on transcript NM_173598.6 (MANE Select); coding-DNA position 819, G replaced by A.
Protein change: p.Pro273=; no amino-acid change (proline 273 retained).
Molecular consequence: synonymous variant.
Genome position (GRCh38, 1-based): chr12:117,761,178, C>T on the plus strand (G>A on the coding strand, the complement: KSR2 is on the minus strand). VCF-style: chr12-117761178-C-T. GRCh37 (hg19) VCF-style: chr12-118198983-C-T.
Identifiers: ClinVar variation 3034670 (VCV003034670.3), dbSNP rs372317080, ClinGen allele CA6816247.